The following is an entry in ClinVar:

ClinVar aggregate classification (germline): Uncertain significance (1 of 4 stars; one submission).

Conditions:
MPI-congenital disorder of glycosylation. Also called: CONGENITAL DISORDER OF GLYCOSYLATION, TYPE Ib; MANNOSEPHOSPHATE ISOMERASE DEFICIENCY; MPI-CDG; MPI DEFICIENCY; PROTEIN-LOSING ENTEROPATHY-HEPATIC FIBROSIS SYNDROME; CDG Ib. Identifiers: Orphanet 79319, MedGen C1865145, MONDO:0011257, OMIM 602579.

Allele frequency attached by ClinVar (database versions not stated): TOPMed below 0.00001; ESP Exome Variant Server 0.00008.
gnomAD v4.1: 1 of 1,614,238 alleles (0.000062%); highest among the groups gnomAD compares: Non-Finnish European, 0.000085%; no homozygotes.

Submission:

Labcorp Genetics (formerly Invitae), Labcorp
Classification: Uncertain significance for MPI-congenital disorder of glycosylation. Last evaluated: 2022-10-05. Review status: criteria provided, single submitter. Criteria: Invitae Variant Classification Sherloc (09022015). Collection method: clinical testing. Allele origin: germline.
Comment: In summary, the available evidence is currently insufficient to determine the role of this variant in disease. Therefore, it has been classified as a Variant of Uncertain Significance. Advanced modeling of protein sequence and biophysical properties (such as structural, functional, and spatial information, amino acid conservation, physicochemical variation, residue mobility, and thermodynamic stability) performed at Invitae indicates that this missense variant is not expected to disrupt MPI protein function. ClinVar contains an entry for this variant (Variation ID: 578568). This sequence change replaces glutamine, which is neutral and polar, with histidine, which is basic and polar, at codon 15 of the MPI protein (p.Gln15His). This variant is not present in population databases (gnomAD no frequency). This variant has not been reported in the literature in individuals affected with MPI-related conditions.

NM_002435.3(MPI):c.45G>C (p.Gln15His)

Gene: MPI (mannose phosphate isomerase; plus strand). Cytogenetic location: 15q24.1.
Variant type: single nucleotide variant.
Coding change: c.45G>C on transcript NM_002435.3 (MANE Select); coding-DNA position 45, G replaced by C.
Protein change: p.Gln15His; replaces glutamine 15 with histidine.
Molecular consequence: missense variant. On other transcripts: 5 prime UTR variant (1), intron variant (1).
Genome position (GRCh38, 1-based): chr15:74,890,555, G>C. VCF-style: chr15-74890555-G-C. GRCh37 (hg19) VCF-style: chr15-75182896-G-C.
Other names: c.45G>C, p.Gln15His (NM_001289155.2, NM_001289157.2); c.-16G>C (NM_001330372.2); c.-7+466G>C (NM_001289156.2); short protein forms Q15H.
Identifiers: ClinVar variation 578568 (VCV000578568.8), dbSNP rs371649838, ClinGen allele CA272821715.